The following is an entry in ClinVar:

ClinVar aggregate classification (germline): Uncertain significance (1 of 4 stars; one submission).

Conditions:
Junctional epidermolysis bullosa gravis of Herlitz. Also called: EPIDERMOLYSIS BULLOSA JUNCTIONALIS, HERLITZ TYPE; EPIDERMOLYSIS BULLOSA, JUNCTIONAL, HERLITZ-PEARSON TYPE; Epidermolysis Bullosa Letalis; Herlitz-type junctional epidermolysis bullosa; JEB-HERLITZ TYPE; EPIDERMOLYSIS BULLOSA, JUNCTIONAL 1B, SEVERE. Identifiers: Orphanet 79404, MedGen C0079683, MONDO:0009182, OMIM 226700.

Submission:

Laboratorio de Genetica e Diagnostico Molecular, Hospital Israelita Albert Einstein
Classification: Uncertain significance for Junctional epidermolysis bullosa gravis of Herlitz. Last evaluated: 2022-03-18. Review status: criteria provided, single submitter. Criteria: ACMG Guidelines, 2015. Collection method: clinical testing. Allele origin: germline. Affected: yes. Observed: 1 variant allele.
Comment: ACMG classification criteria: PM2 moderated, PM3 supporting, PP3 supporting

NM_000228.3(LAMB3):c.-38+1G>T

Genes: LAMB3 (laminin subunit beta 3; minus strand), LOC126805999 (MED14-independent group 3 enhancer GRCh37_chr1:209825272-209826471; plus strand). Cytogenetic location: 1q32.2.
Variant type: single nucleotide variant.
Coding change: c.-38+1G>T on transcript NM_000228.3 (MANE Select); the canonical splice donor site of the intron after 38 bases upstream of the start codon, G replaced by T.
Molecular consequence: splice donor variant.
Genome position (GRCh38, 1-based): chr1:209,652,368, C>A on the plus strand (G>T on the coding strand, the complement: LAMB3 is on the minus strand). VCF-style: chr1-209652368-C-A. GRCh37 (hg19) VCF-style: chr1-209825713-C-A.
Identifiers: ClinVar variation 2431515 (VCV002431515.1), dbSNP rs2464965538, ClinGen allele CA2580061968.
Genomic context (GRCh38, chr1:209,652,368, plus strand): 5'-AGAGATACAGTCCTCCTCCCGCATCCGGCCCGCACCAGGCAGGTAAAGACAGGTAACATA[C>A]CTTGCTGTGTGTTCTGCCGTTCTTTCTCCAGATCGCCTGAAAGCTCCTCTTGAATGTGGG-3'